The following is an entry in ClinVar:

NM_006254.4(PRKCD):c.571+1G>A

Gene: PRKCD (protein kinase C delta; plus strand). Cytogenetic location: 3p21.1.
Variant type: single nucleotide variant.
Coding change: c.571+1G>A on transcript NM_006254.4 (MANE Select); the canonical splice donor site of the intron after coding-DNA position 571, G replaced by A.
Molecular consequence: splice donor variant.
Genome position (GRCh38, 1-based): chr3:53,181,733, G>A. VCF-style: chr3-53181733-G-A. GRCh37 (hg19) VCF-style: chr3-53215749-G-A.
Other names: c.571+1G>A (NM_001354680.2, NM_001354679.2, NM_212539.2 and 1 more transcripts); c.628+1G>A (NM_001354676.2); c.619+1G>A (NM_001354678.2).
Identifiers: ClinVar variation 2909516 (VCV002909516.3), dbSNP rs1703450134, ClinGen allele CA353234745.
Genomic context (GRCh38, chr3:53,181,733, plus strand): 5'-CTCACTTTGCCTGGGTTTTGCCTTTCAGGGGCCTCAACAAGCAAGGCTACAAATGCAGGC[G>A]TAAGTGTCTCCACAGGCCAGTTTGTACGTATGTACCCATGTGTGCTCACGTGTGCCAGTG-3'

ClinVar aggregate classification (germline): Likely pathogenic (1 of 4 stars; one submission).

Conditions:
Autoimmune lymphoproliferative syndrome, type III caused by mutation in PRKCD. Identifiers: Orphanet 3261, Orphanet 664711, MedGen C3809928, MONDO:8000024, OMIM 615559.

gnomAD v4.1: 1 of 1,614,128 alleles (0.000062%); highest among the groups gnomAD compares: East Asian, 0.0022%; no homozygotes.

Submission:

Labcorp Genetics (formerly Invitae), Labcorp
Classification: Likely pathogenic for Autoimmune lymphoproliferative syndrome, type III caused by mutation in PRKCD. Last evaluated: 2023-05-20. Review status: criteria provided, single submitter. Criteria: Invitae Variant Classification Sherloc (09022015). Collection method: clinical testing. Allele origin: germline.
Comment: This sequence change affects a donor splice site in intron 7 of the PRKCD gene. It is expected to disrupt RNA splicing. Variants that disrupt the donor or acceptor splice site typically lead to a loss of protein function (PMID: 16199547), and loss-of-function variants in PRKCD are known to be pathogenic (PMID: 11976687, 23319571, 23430113). This variant is not present in population databases (gnomAD no frequency). This variant has not been reported in the literature in individuals affected with PRKCD-related conditions. Algorithms developed to predict the effect of sequence changes on RNA splicing suggest that this variant may disrupt the consensus splice site. In summary, the currently available evidence indicates that the variant is pathogenic, but additional data are needed to prove that conclusively. Therefore, this variant has been classified as Likely Pathogenic.

Literature cited by the submitters: PubMed 16199547; PubMed 11976687; PubMed 23319571; PubMed 23430113.